The following is an entry in ClinVar:

ClinVar aggregate classification (germline): Uncertain significance (1 of 4 stars; one submission).

Conditions:
Neurodegeneration with brain iron accumulation 5 (NBIA5). Also called: STATIC ENCEPHALOPATHY OF CHILDHOOD WITH NEURODEGENERATION IN ADULTHOOD; Beta-propeller protein-associated neurodegeneration. Identifiers: Orphanet 329284, MedGen C3550973, MONDO:0010476, OMIM 300894.

Allele frequency attached by ClinVar (database versions not stated): ExAC 0.00001; gnomAD 0.00001; gnomAD exomes 0.00001.
gnomAD v4.1: 1 of 1,202,612 alleles (0.000083%); highest among the groups gnomAD compares: Non-Finnish European, 0.00011%; no homozygotes.

Submission:

Labcorp Genetics (formerly Invitae), Labcorp
Classification: Uncertain significance for Neurodegeneration with brain iron accumulation 5. Last evaluated: 2023-05-22. Review status: criteria provided, single submitter. Criteria: Invitae Variant Classification Sherloc (09022015). Collection method: clinical testing. Allele origin: germline.
Comment: Advanced modeling of protein sequence and biophysical properties (such as structural, functional, and spatial information, amino acid conservation, physicochemical variation, residue mobility, and thermodynamic stability) has been performed at Invitae for this missense variant, however the output from this modeling did not meet the statistical confidence thresholds required to predict the impact of this variant on WDR45 protein function. ClinVar contains an entry for this variant (Variation ID: 1497166). This variant has not been reported in the literature in individuals affected with WDR45-related conditions. This variant is present in population databases (rs782745423, gnomAD 0.001%). This sequence change replaces cysteine, which is neutral and slightly polar, with glycine, which is neutral and non-polar, at codon 328 of the WDR45 protein (p.Cys328Gly). In summary, the available evidence is currently insufficient to determine the role of this variant in disease. Therefore, it has been classified as a Variant of Uncertain Significance.

NM_001029896.2(WDR45):c.979T>G (p.Cys327Gly)

Gene: WDR45 (WD repeat domain 45; minus strand). Cytogenetic location: Xp11.23.
Variant type: single nucleotide variant.
Coding change: c.979T>G on transcript NM_001029896.2 (MANE Select); coding-DNA position 979, T replaced by G.
Protein change: p.Cys327Gly; replaces cysteine 327 with glycine.
Molecular consequence: missense variant.
Genome position (GRCh38, 1-based): chrX:49,074,907, A>C on the plus strand (T>G on the coding strand, the complement: WDR45 is on the minus strand). VCF-style: chrX-49074907-A-C. GRCh37 (hg19) VCF-style: chrX-48932566-A-C.
Other names: c.982T>G, p.Cys328Gly (NM_007075.4); short protein forms C327G, C328G.
Identifiers: ClinVar variation 1497166 (VCV001497166.8), dbSNP rs782745423, ClinGen allele CA10408422.